The following is an entry in ClinVar:

NM_002907.4(RECQL):c.821G>A (p.Cys274Tyr)

Gene: RECQL (RecQ like helicase; minus strand). Cytogenetic location: 12p12.1.
Variant type: single nucleotide variant.
Coding change: c.821G>A on transcript NM_002907.4 (MANE Select); coding-DNA position 821, G replaced by A.
Protein change: p.Cys274Tyr; replaces cysteine 274 with tyrosine.
Molecular consequence: missense variant.
Genome position (GRCh38, 1-based): chr12:21,477,849, C>T on the plus strand (G>A on the coding strand, the complement: RECQL is on the minus strand). VCF-style: chr12-21477849-C-T. GRCh37 (hg19) VCF-style: chr12-21630783-C-T.
Other names: c.821G>A, p.Cys274Tyr (NM_032941.3); short protein forms C274Y.
Identifiers: ClinVar variation 1471412 (VCV001471412.11), dbSNP rs778241738, ClinGen allele CA6478967.

ClinVar aggregate classification (germline): Uncertain significance. Review status: criteria provided, multiple submitters, no conflicts (2 of 4 stars). 4 submissions from 4 submitters: Uncertain significance (4). Last evaluated 2025-11-07.

Allele frequency attached by ClinVar (database versions not stated): gnomAD exomes below 0.00001 and 0.00001; ExAC 0.00001; gnomAD 0.00002; TOPMed 0.00003.
gnomAD v4.1: 14 of 1,613,200 alleles (0.00087%); highest among the groups gnomAD compares: South Asian, 0.0011%; no homozygotes.

Submissions (4):

Quest Diagnostics Nichols Institute San Juan Capistrano
Classification: Uncertain significance. Last evaluated: 2025-11-07. Review status: criteria provided, single submitter. Criteria: Quest Diagnostics criteria. Collection method: clinical testing. Allele origin: unknown.
Comment: The RECQL c.821G>A (p.Cys274Tyr) variant has been reported in individuals with breast cancer as well as in reportedly unaffected individuals (PMID: 25915596 (2015), 33471991 (2021), see LOVD). The frequency of this variant in the general population (Genome Aggregation Database) is uninformative in the assessment of its pathogenicity. Analysis of this variant using bioinformatics tools for the prediction of the effect of amino acid changes on protein structure and function yielded predictions that this variant is benign. Based on the available information, we are unable to determine the clinical significance of this variant.

Ambry Genetics
Classification: Uncertain significance. Last evaluated: 2025-06-01. Review status: criteria provided, single submitter. Criteria: Ambry Variant Classification Scheme 2023. Collection method: clinical testing. Allele origin: germline.
Comment: The p.C274Y variant (also known as c.821G>A), located in coding exon 6 of the RECQL gene, results from a G to A substitution at nucleotide position 821. The cysteine at codon 274 is replaced by tyrosine, an amino acid with highly dissimilar properties. This amino acid position is not well conserved in available vertebrate species. In addition, this alteration is predicted to be tolerated by in silico analysis. Since supporting evidence is limited at this time, the clinical significance of this alteration remains unclear.

Labcorp Genetics (formerly Invitae), Labcorp
Classification: Uncertain significance. Last evaluated: 2024-06-24. Review status: criteria provided, single submitter. Criteria: Invitae Variant Classification Sherloc (09022015). Collection method: clinical testing. Allele origin: germline.
Comment: This sequence change replaces cysteine, which is neutral and slightly polar, with tyrosine, which is neutral and polar, at codon 274 of the RECQL protein (p.Cys274Tyr). This variant is present in population databases (rs778241738, gnomAD 0.003%). This variant has not been reported in the literature in individuals affected with RECQL-related conditions. ClinVar contains an entry for this variant (Variation ID: 1471412). Advanced modeling of protein sequence and biophysical properties (such as structural, functional, and spatial information, amino acid conservation, physicochemical variation, residue mobility, and thermodynamic stability) performed at Invitae indicates that this missense variant is not expected to disrupt RECQL protein function with a negative predictive value of 80%. In summary, the available evidence is currently insufficient to determine the role of this variant in disease. Therefore, it has been classified as a Variant of Uncertain Significance.

Blueprint Genetics
Classification: Uncertain significance. Last evaluated: 2023-12-07. Review status: criteria provided, single submitter. Criteria: ACMG Guidelines, 2015. Collection method: clinical testing. Allele origin: germline.

Literature cited by the submitters: PubMed 25915596 (cited by Quest Diagnostics Nichols Institute San Juan Capistrano); PubMed 33471991 (cited by Quest Diagnostics Nichols Institute San Juan Capistrano).